The following is an entry in ClinVar:

NM_000057.4(BLM):c.2441T>C (p.Met814Thr)

Gene: BLM (BLM RecQ like helicase; plus strand). Cytogenetic location: 15q26.1.
Variant type: single nucleotide variant.
Coding change: c.2441T>C on transcript NM_000057.4 (MANE Select); coding-DNA position 2441, T replaced by C.
Protein change: p.Met814Thr; replaces methionine 814 with threonine.
Molecular consequence: missense variant.
Genome position (GRCh38, 1-based): chr15:90,769,472, T>C. VCF-style: chr15-90769472-T-C. GRCh37 (hg19) VCF-style: chr15-91312702-T-C.
Other names: c.2441T>C, p.Met814Thr (NM_001287246.2, NM_001287247.2); c.1316T>C, p.Met439Thr (NM_001287248.2); short protein forms M439T, M814T.
Identifiers: ClinVar variation 855179 (VCV000855179.11), dbSNP rs1596238678, ClinGen allele CA393845327.

ClinVar aggregate classification (germline): Uncertain significance. Review status: criteria provided, single submitter (1 of 4 stars). 2 submissions from 2 submitters: Uncertain significance (1). 1 of the submissions does not count toward it. Last evaluated 2019-01-19.

Conditions:
Bloom syndrome (BLM). Also called: Bloom-Torre-Machacek syndrome. Identifiers: Orphanet 125, MedGen C0005859, MONDO:0008876, OMIM 210900.

Submissions (2):

Labcorp Genetics (formerly Invitae), Labcorp
Classification: Uncertain significance for Bloom syndrome. Last evaluated: 2019-01-19. Review status: criteria provided, single submitter. Criteria: Invitae Variant Classification Sherloc (09022015). Collection method: clinical testing. Allele origin: germline.
Comment: In summary, the available evidence is currently insufficient to determine the role of this variant in disease. Therefore, it has been classified as a Variant of Uncertain Significance. Algorithms developed to predict the effect of missense changes on protein structure and function are either unavailable or do not agree on the potential impact of this missense change (SIFT: "Deleterious"; PolyPhen-2: "Possibly Damaging"; Align-GVGD: "Class C0"). This variant has not been reported in the literature in individuals with BLM-related conditions. This variant is not present in population databases (ExAC no frequency). This sequence change replaces methionine with threonine at codon 814 of the BLM protein (p.Met814Thr). The methionine residue is weakly conserved and there is a moderate physicochemical difference between methionine and threonine.

Natera, Inc.
Classification: Uncertain significance for Bloom syndrome. Last evaluated: 2020-09-16. Review status: no assertion criteria provided. Collection method: clinical testing. Allele origin: germline. Not counted in ClinVar's aggregate classification.